The following is an entry in ClinVar:

NM_000548.5(TSC2):c.1605G>A (p.Met535Ile)

Gene: TSC2 (TSC complex subunit 2; plus strand). Cytogenetic location: 16p13.3.
Variant type: single nucleotide variant.
Coding change: c.1605G>A on transcript NM_000548.5 (MANE Select); coding-DNA position 1605, G replaced by A.
Protein change: p.Met535Ile; replaces methionine 535 with isoleucine.
Molecular consequence: missense variant.
Genome position (GRCh38, 1-based): chr16:2,065,524, G>A. VCF-style: chr16-2065524-G-A. GRCh37 (hg19) VCF-style: chr16-2115525-G-A.
Other names: c.1605G>A (NM_000548.3); c.1605G>A, p.Met535Ile (NM_001077183.3, NM_001114382.3, NM_001363528.2 and 3 more transcripts); c.1494G>A, p.Met498Ile (NM_001318827.2); c.1458G>A, p.Met486Ile (NM_001318829.2); c.1005G>A, p.Met335Ile (NM_001318831.2); c.1638G>A, p.Met546Ile (NM_001318832.2); short protein forms M335I, M486I, M498I, M535I, M546I.
Identifiers: ClinVar variation 1058274 (VCV001058274.10), dbSNP rs2151206304, ClinGen allele CA394267557.

ClinVar aggregate classification (germline): Conflicting classifications of pathogenicity. Review status: criteria provided, conflicting classifications (1 of 4 stars). 2 submissions from 2 submitters: Uncertain significance (1); Likely benign (1). Last evaluated 2024-04-15.

Conditions:
Hereditary cancer-predisposing syndrome. Also called: Tumor predisposition; Neoplastic Syndromes, Hereditary; Hereditary Cancer Syndrome; Hereditary neoplastic syndrome. Identifiers: Orphanet 140162, MedGen C0027672, MeSH D009386, MONDO:0015356.
Tuberous sclerosis 2 (TSC2). Identifiers: Orphanet 805, MedGen C1860707, MONDO:0013199, OMIM 613254.

gnomAD v4.1: 2 of 1,612,960 alleles (0.00012%); highest among the groups gnomAD compares: Non-Finnish European, 0.00017%; no homozygotes.

Submissions (2):

Ambry Genetics
Classification: Likely benign for Hereditary cancer-predisposing syndrome. Last evaluated: 2024-04-15. Review status: criteria provided, single submitter. Criteria: Ambry Variant Classification Scheme 2023. Collection method: clinical testing. Allele origin: germline.

Labcorp Genetics (formerly Invitae), Labcorp
Classification: Uncertain significance for Tuberous sclerosis 2. Last evaluated: 2020-09-22. Review status: criteria provided, single submitter. Criteria: Invitae Variant Classification Sherloc (09022015). Collection method: clinical testing. Allele origin: germline.
Comment: Advanced modeling of protein sequence and biophysical properties (such as structural, functional, and spatial information, amino acid conservation, physicochemical variation, residue mobility, and thermodynamic stability) performed at Invitae indicates that this missense variant is not expected to disrupt TSC2 protein function. In summary, the available evidence is currently insufficient to determine the role of this variant in disease. Therefore, it has been classified as a Variant of Uncertain Significance. This variant has not been reported in the literature in individuals with TSC2-related conditions. This variant is not present in population databases (ExAC no frequency). This sequence change replaces methionine with isoleucine at codon 535 of the TSC2 protein (p.Met535Ile). The methionine residue is weakly conserved and there is a small physicochemical difference between methionine and isoleucine.